The following is an entry in ClinVar:

ClinVar aggregate classification (germline): Uncertain significance. Review status: criteria provided, multiple submitters, no conflicts (2 of 4 stars). 3 submissions from 3 submitters: Uncertain significance (2). 1 of the submissions does not count toward it. Last evaluated 2024-11-05.

Conditions:
Usher syndrome type 2A. Also called: RETINAL DISEASE IN USHER SYNDROME TYPE IIA, MODIFIER OF; USHER SYNDROME, TYPE IIA. Identifiers: Orphanet 231178, Orphanet 886, MedGen C1848634, MONDO:0010169, OMIM 276901.

Allele frequency attached by ClinVar (database versions not stated): gnomAD 0.00002 and 0.00003; TOPMed 0.00003; 1000 Genomes Project 30x 0.00016; 1000 Genomes Project 0.00020.
gnomAD v4.1: 35 of 1,613,940 alleles (0.0022%); highest among the groups gnomAD compares: Admixed American, 0.0033%; no homozygotes.

Submissions (3):

Labcorp Genetics (formerly Invitae), Labcorp
Classification: Uncertain significance. Last evaluated: 2024-11-05. Review status: criteria provided, single submitter. Criteria: Invitae Variant Classification Sherloc (09022015). Collection method: clinical testing. Allele origin: germline.
Comment: This sequence change replaces asparagine, which is neutral and polar, with serine, which is neutral and polar, at codon 1071 of the USH2A protein (p.Asn1071Ser). This variant is present in population databases (rs533927645, gnomAD 0.006%). This variant has not been reported in the literature in individuals affected with USH2A-related conditions. ClinVar contains an entry for this variant (Variation ID: 961960). Invitae Evidence Modeling of protein sequence and biophysical properties (such as structural, functional, and spatial information, amino acid conservation, physicochemical variation, residue mobility, and thermodynamic stability) indicates that this missense variant is not expected to disrupt USH2A protein function with a negative predictive value of 95%. In summary, the available evidence is currently insufficient to determine the role of this variant in disease. Therefore, it has been classified as a Variant of Uncertain Significance.

Breakthrough Genomics
Classification: Uncertain significance. Review status: criteria provided, single submitter. Criteria: ACMG Guidelines, 2015. Collection method: not provided. Allele origin: germline. Inheritance: Autosomal recessive inheritance. Affected: yes.

Natera, Inc.
Classification: Uncertain significance for Usher syndrome type 2A. Last evaluated: 2020-09-09. Review status: no assertion criteria provided. Collection method: clinical testing. Allele origin: germline. Not counted in ClinVar's aggregate classification.

NM_206933.4(USH2A):c.3212A>G (p.Asn1071Ser)

Genes: USH2A-AS1 (USH2A antisense RNA 1; plus strand), USH2A (usherin; minus strand). Cytogenetic location: 1q41.
Variant type: single nucleotide variant.
Coding change: c.3212A>G on transcript NM_206933.4 (MANE Select); coding-DNA position 3212, A replaced by G.
Protein change: p.Asn1071Ser; replaces asparagine 1071 with serine.
Molecular consequence: missense variant.
Genome position (GRCh38, 1-based): chr1:216,207,377, T>C on the plus strand (A>G on the coding strand, the complement: USH2A is on the minus strand). VCF-style: chr1-216207377-T-C. GRCh37 (hg19) VCF-style: chr1-216380719-T-C.
Other names: c.3212A>G, p.Asn1071Ser (NM_007123.6); short protein forms N1071S.
Identifiers: ClinVar variation 961960 (VCV000961960.7), dbSNP rs533927645, ClinGen allele CA1396050.